The following is an entry in ClinVar:

NM_000199.5(SGSH):c.198_214del (p.Val67fs)

Gene: SGSH (N-sulfoglucosamine sulfohydrolase; minus strand). Cytogenetic location: 17q25.3.
Variant type: Deletion.
Coding change: c.198_214del on transcript NM_000199.5 (MANE Select); coding-DNA positions 198 to 214, 17 bases deleted (GGTCAGCAGCTGCTCTC).
Protein change: p.Val67fs; shifts the reading frame from valine 67.
Molecular consequence: frameshift variant. On other transcripts: non-coding transcript variant (1).
Genome position (GRCh38, 1-based): chr17:80,217,067-80,217,083, GAGAGCAGCTGCTGACC deleted on the plus strand (GGTCAGCAGCTGCTCTC on the coding strand, the reverse complement: SGSH is on the minus strand); deleting any 17 consecutive bases within chr17:80,217,067-80,217,086 gives the same sequence; the c. name uses the placement nearest the transcript's 3' end. VCF-style (leftmost placement, unchanged base first): chr17-80217066-GGAGAGCAGCTGCTGACC-G. GRCh37 (hg19) VCF-style: chr17-78190865-GGAGAGCAGCTGCTGACC-G.
Other names: c.198_214del, p.Val67fs (NM_001352921.3, NM_001352922.2); short protein forms V67fs.
Identifiers: ClinVar variation 3662336 (VCV003662336.3).

ClinVar aggregate classification (germline): Pathogenic. Review status: criteria provided, multiple submitters, no conflicts (2 of 4 stars). 2 submissions from 2 submitters: Pathogenic (2). Last evaluated 2024-08-14.

Conditions:
Mucopolysaccharidosis, MPS-III-A (MPS3A). Also called: HEPARAN SULFATE SULFATASE DEFICIENCY; SANFILIPPO SYNDROME A; SULFAMIDASE DEFICIENCY; MPS III A; Mucopolysaccharidosis type IIIA (Sanfilippo A); Mucopolysaccharidosis, type IIIA. Identifiers: Orphanet 581, Orphanet 79269, MedGen C0086647, MONDO:0009655, OMIM 252900.

Submissions (2):

Labcorp Genetics (formerly Invitae), Labcorp
Classification: Pathogenic for Mucopolysaccharidosis, MPS-III-A. Last evaluated: 2024-08-14. Review status: criteria provided, single submitter. Criteria: Invitae Variant Classification Sherloc (09022015). Collection method: clinical testing. Allele origin: germline.
Comment: This sequence change creates a premature translational stop signal (p.Val67Glnfs*63) in the SGSH gene. It is expected to result in an absent or disrupted protein product. Loss-of-function variants in SGSH are known to be pathogenic (PMID: 11182930, 21204211, 22976768). This variant is not present in population databases (gnomAD no frequency). This variant has not been reported in the literature in individuals affected with SGSH-related conditions. For these reasons, this variant has been classified as Pathogenic.

Myriad Genetics, Inc.
Classification: Pathogenic for Mucopolysaccharidosis, MPS-III-A. Last evaluated: 2023-08-19. Review status: criteria provided, single submitter. Criteria: Myriad Autosomal Dominant, Autosomal Recessive and X-Linked Classification Criteria (2023). Collection method: clinical testing. Allele origin: unknown.
Comment: NM_000199.3(SGSH):c.198_214del17(V67Qfs*63) is expected to be pathogenic in the context of mucopolysaccharidosis type IIIA. This variant is predicted to lead to an abnormal or absent protein product due to the creation of a premature termination codon in SGSH, a gene where loss-of-function variants are known to be pathogenic. Please note: this variant was assessed in the context of healthy population screening.

Literature cited by the submitters: PubMed 11182930 (cited by Labcorp Genetics (formerly Invitae), Labcorp); PubMed 21204211 (cited by Labcorp Genetics (formerly Invitae), Labcorp); PubMed 22976768 (cited by Labcorp Genetics (formerly Invitae), Labcorp).